The following is an entry in ClinVar:

NM_001172509.2(SATB2):c.758T>C (p.Met253Thr)

Gene: SATB2 (SATB homeobox 2; minus strand). Cytogenetic location: 2q33.1.
Variant type: single nucleotide variant.
Coding change: c.758T>C on transcript NM_001172509.2 (MANE Select); coding-DNA position 758, T replaced by C.
Protein change: p.Met253Thr; replaces methionine 253 with threonine.
Molecular consequence: missense variant.
Genome position (GRCh38, 1-based): chr2:199,349,116, A>G on the plus strand (T>C on the coding strand, the complement: SATB2 is on the minus strand). VCF-style: chr2-199349116-A-G. GRCh37 (hg19) VCF-style: chr2-200213839-A-G.
Other names: c.758T>C, p.Met253Thr (NM_001172517.1, NM_015265.4); short protein forms M253T.
Identifiers: ClinVar variation 3730189 (VCV003730189.2).

ClinVar aggregate classification (germline): Uncertain significance (1 of 4 stars; one submission).

Conditions:
Chromosome 2q32-q33 deletion syndrome (GLASS). Also called: 2q33.1 deletion syndrome; Glass syndrome. Identifiers: Orphanet 251019, MedGen C2676739, MONDO:0012864, OMIM 612313.

gnomAD v4.1: 1 of 1,614,072 alleles (0.000062%); highest among the groups gnomAD compares: Non-Finnish European, 0.000085%; no homozygotes.

Submission:

Labcorp Genetics (formerly Invitae), Labcorp
Classification: Uncertain significance for Chromosome 2q32-q33 deletion syndrome. Last evaluated: 2024-07-31. Review status: criteria provided, single submitter. Criteria: Invitae Variant Classification Sherloc (09022015). Collection method: clinical testing. Allele origin: germline.
Comment: This sequence change replaces methionine, which is neutral and non-polar, with threonine, which is neutral and polar, at codon 253 of the SATB2 protein (p.Met253Thr). This variant is not present in population databases (gnomAD no frequency). This variant has not been reported in the literature in individuals affected with SATB2-related conditions. Advanced modeling of protein sequence and biophysical properties (such as structural, functional, and spatial information, amino acid conservation, physicochemical variation, residue mobility, and thermodynamic stability) performed at Invitae indicates that this missense variant is not expected to disrupt SATB2 protein function with a negative predictive value of 80%. In summary, the available evidence is currently insufficient to determine the role of this variant in disease. Therefore, it has been classified as a Variant of Uncertain Significance.